The following is an entry in ClinVar:

ClinVar aggregate classification (germline): Uncertain significance (1 of 4 stars; one submission).

Conditions:
Ataxia-telangiectasia syndrome (AT). Also called: ATAXIA-TELANGIECTASIA, COMPLEMENTATION GROUP A; ATAXIA-TELANGIECTASIA, FRESNO VARIANT; Ataxia-telangiectasia; Ataxia-telangiectasia, complementation group E; Ataxia telangiectasia (A-T); LOUIS-BAR SYNDROME. Identifiers: Orphanet 100, MedGen C0004135, MONDO:0008840, OMIM 208900.

Submission:

Labcorp Genetics (formerly Invitae), Labcorp
Classification: Uncertain significance for Ataxia-telangiectasia syndrome. Last evaluated: 2024-09-15. Review status: criteria provided, single submitter. Criteria: Invitae Variant Classification Sherloc (09022015). Collection method: clinical testing. Allele origin: germline.
Comment: This sequence change replaces phenylalanine, which is neutral and non-polar, with serine, which is neutral and polar, at codon 407 of the ATM protein (p.Phe407Ser). This variant is not present in population databases (gnomAD no frequency). This variant has not been reported in the literature in individuals affected with ATM-related conditions. An algorithm developed to predict the effect of missense changes on protein structure and function (PolyPhen-2) suggests that this variant is likely to be disruptive. In summary, the available evidence is currently insufficient to determine the role of this variant in disease. Therefore, it has been classified as a Variant of Uncertain Significance.

NM_000051.4(ATM):c.1220T>C (p.Phe407Ser)

Gene: ATM (ATM serine/threonine kinase; plus strand). Cytogenetic location: 11q22.3.
Variant type: single nucleotide variant.
Coding change: c.1220T>C on transcript NM_000051.4 (MANE Select); coding-DNA position 1220, T replaced by C.
Protein change: p.Phe407Ser; replaces phenylalanine 407 with serine.
Molecular consequence: missense variant.
Genome position (GRCh38, 1-based): chr11:108,249,087, T>C. VCF-style: chr11-108249087-T-C. GRCh37 (hg19) VCF-style: chr11-108119814-T-C.
Other names: c.1220T>C, p.Phe407Ser (NM_001351834.2); short protein forms F407S.
Identifiers: ClinVar variation 3717211 (VCV003717211.2).